The following is an entry in ClinVar:

ClinVar aggregate classification (germline): Uncertain significance (1 of 4 stars; one submission).

Submission:

Labcorp Genetics (formerly Invitae), Labcorp
Classification: Uncertain significance. Last evaluated: 2024-04-05. Review status: criteria provided, single submitter. Criteria: Invitae Variant Classification Sherloc (09022015). Collection method: clinical testing. Allele origin: germline.
Comment: This sequence change replaces glycine, which is neutral and non-polar, with aspartic acid, which is acidic and polar, at codon 1348 of the COL11A1 protein (p.Gly1348Asp). This variant is not present in population databases (gnomAD no frequency). This missense change has been observed in individual(s) with clinical features of Stickler syndrome (Invitae). ClinVar contains an entry for this variant (Variation ID: 2080169). Advanced modeling of protein sequence and biophysical properties (such as structural, functional, and spatial information, amino acid conservation, physicochemical variation, residue mobility, and thermodynamic stability) performed at Invitae indicates that this missense variant is not expected to disrupt COL11A1 protein function with a negative predictive value of 80%. In summary, the available evidence is currently insufficient to determine the role of this variant in disease. Therefore, it has been classified as a Variant of Uncertain Significance.

NM_001854.4(COL11A1):c.4043G>A (p.Gly1348Asp)

Gene: COL11A1 (collagen type XI alpha 1 chain; minus strand). Cytogenetic location: 1p21.1.
Variant type: single nucleotide variant.
Coding change: c.4043G>A on transcript NM_001854.4 (MANE Select); coding-DNA position 4043, G replaced by A.
Protein change: p.Gly1348Asp; replaces glycine 1348 with aspartic acid.
Molecular consequence: missense variant. On other transcripts: non-coding transcript variant (1).
Genome position (GRCh38, 1-based): chr1:102,912,202, C>T on the plus strand (G>A on the coding strand, the complement: COL11A1 is on the minus strand). VCF-style: chr1-102912202-C-T. GRCh37 (hg19) VCF-style: chr1-103377758-C-T.
Other names: c.3695G>A, p.Gly1232Asp (NM_001168249.1, NM_080630.4); c.3926G>A, p.Gly1309Asp (NM_001190709.2); c.4079G>A, p.Gly1360Asp (NM_080629.3); short protein forms G1309D, G1232D, G1348D, G1360D.
Identifiers: ClinVar variation 2080169 (VCV002080169.4), dbSNP rs2524455749, ClinGen allele CA341160231.